The following is an entry in ClinVar:

ClinVar aggregate classification (germline): Likely benign (1 of 4 stars; one submission).

Submission:

CeGaT Center for Human Genetics Tuebingen
Classification: Likely benign. Last evaluated: 2026-07-01. Review status: criteria provided, single submitter. Criteria: CeGaT Center For Human Genetics Tuebingen Variant Classification Criteria Version 2. Collection method: clinical testing. Allele origin: germline. Affected: yes. Observed: 1 variant allele.
Comment: CEP131: PM2:Supporting, BP4, BP7

NM_014984.4(CEP131):c.2499G>A (p.Leu833=)

Gene: CEP131 (centrosomal protein 131; minus strand). Cytogenetic location: 17q25.3.
Variant type: single nucleotide variant.
Coding change: c.2499G>A on transcript NM_014984.4 (MANE Select); coding-DNA position 2499, G replaced by A.
Protein change: p.Leu833=; no amino-acid change (leucine 833 retained).
Molecular consequence: synonymous variant.
Genome position (GRCh38, 1-based): chr17:81,192,524, C>T on the plus strand (G>A on the coding strand, the complement: CEP131 is on the minus strand). VCF-style: chr17-81192524-C-T. GRCh37 (hg19) VCF-style: chr17-79166324-C-T.
Other names: c.2391G>A, p.Leu797= (NM_001009811.4); c.2508G>A, p.Leu836= (NM_001319228.2); c.2400G>A, p.Leu800= (NM_001319229.2).
Identifiers: ClinVar variation 4875359 (VCV004875359.2).